The following is an entry in ClinVar:

NM_001369.3(DNAH5):c.10416G>T (p.Lys3472Asn)

Gene: DNAH5 (dynein axonemal heavy chain 5; minus strand). Cytogenetic location: 5p15.2.
Variant type: single nucleotide variant.
Coding change: c.10416G>T on transcript NM_001369.3 (MANE Select); coding-DNA position 10416, G replaced by T.
Protein change: p.Lys3472Asn; replaces lysine 3472 with asparagine.
Molecular consequence: missense variant.
Genome position (GRCh38, 1-based): chr5:13,758,849, C>A on the plus strand (G>T on the coding strand, the complement: DNAH5 is on the minus strand). VCF-style: chr5-13758849-C-A. GRCh37 (hg19) VCF-style: chr5-13758958-C-A.
Other names: short protein forms K3472N.
Identifiers: ClinVar variation 4682078 (VCV004682078.5).

ClinVar aggregate classification (germline): Uncertain significance (1 of 4 stars; one submission).

Submission:

CeGaT Center for Human Genetics Tuebingen
Classification: Uncertain significance. Last evaluated: 2025-12-01. Review status: criteria provided, single submitter. Criteria: CeGaT Center For Human Genetics Tuebingen Variant Classification Criteria Version 2. Collection method: clinical testing. Allele origin: germline. Affected: yes. Observed: 1 variant allele.
Comment: DNAH5: PM2